The following is an entry in ClinVar:

ClinVar aggregate classification (germline): Pathogenic. Review status: criteria provided, multiple submitters, no conflicts (2 of 4 stars). 9 submissions from 9 submitters: Pathogenic (8). 1 of the submissions does not count toward it. Last evaluated 2025-12-30.

Conditions:
SLC12A3-related disorder. Also called: SLC12A3-related condition.
Familial hypokalemia-hypomagnesemia (GTLMNS). Also called: gitelman syndrome; POTASSIUM AND MAGNESIUM DEPLETION; HYPOMAGNESEMIA-HYPOKALEMIA, PRIMARY RENOTUBULAR, WITH HYPOCALCIURIA. Identifiers: Orphanet 358, MedGen C0268450, MONDO:0009904, OMIM 263800.

Allele frequency attached by ClinVar (database versions not stated): gnomAD exomes 0.00001.
gnomAD v4.1: 12 of 1,556,022 alleles (0.00077%); highest among the groups gnomAD compares: East Asian, 0.029%; no homozygotes.

Submissions (9):

Natera, Inc.
Classification: Pathogenic for Gitelman syndrome. Last evaluated: 2025-12-30. Review status: criteria provided, single submitter. Criteria: Natera Variant Classification Schema (03/2026). Collection method: clinical testing. Allele origin: germline.
Comment: The c.1868T>C variant in SLC12A3 is a missense variant predicted to cause substitution of leucine to proline at amino acid 623. This variant is rare in the general population with a frequency below the threshold expected for the associated phenotype(s). This variant has been observed in one or more individuals affected with the associated recessive disease, as either homozygous or compound heterozygous with a second variant (PMID: 30596175). Given the available evidence, this variant is classified as Pathogenic.

3billion
Classification: Pathogenic for Familial hypokalemia-hypomagnesemia. Last evaluated: 2024-08-12. Review status: criteria provided, single submitter. Criteria: ACMG Guidelines, 2015. Collection method: clinical testing. Allele origin: germline. Affected: yes.
Comment: The variant is observed at an extremely low frequency in the gnomAD v4.0.0 dataset (total allele frequency: <0.001%). Predicted Consequence/Location: Missense variant In silico tool predictions suggest no damaging effect of the variant on gene or gene product [REVEL: 0.29 (<0.4); 3Cnet: 0.14 (<0.15, specificity 0.78 and negative predictive value 0.92)]. The same nucleotide change resulting in the same amino acid change has been previously reported as pathogenic/likely pathogenic with strong evidence (ClinVar ID: VCV000008595 /PMID: 8954067 /3billion dataset).The variant has been reported to be in trans with a pathogenic variant as either compound heterozygous or homozygous in at least 2 similarly affected unrelated individuals (PMID: 30596175, 8954067).The variant has been reported to co-segregate with the disease in at least one similarly affected relative/individual in the same family or similarly affected unrelated family (PMID: 8954067). Therefore, this variant is classified as Pathogenic according to the recommendation of ACMG/AMP guideline.

Fulgent Genetics
Classification: Pathogenic for Familial hypokalemia-hypomagnesemia. Last evaluated: 2024-04-19. Review status: criteria provided, single submitter. Criteria: ACMG Guidelines, 2015. Collection method: clinical testing. Allele origin: germline.

Blueprint Genetics
Classification: Pathogenic for SLC12A3-related disorders. Last evaluated: 2024-04-15. Review status: criteria provided, single submitter. Criteria: ACMG Guidelines, 2015. Collection method: clinical testing. Allele origin: germline. Affected: yes. Observed: 1 variant allele.

Labcorp Genetics (formerly Invitae), Labcorp
Classification: Pathogenic. Last evaluated: 2023-09-15. Review status: criteria provided, single submitter. Criteria: Invitae Variant Classification Sherloc (09022015). Collection method: clinical testing. Allele origin: germline.
Comment: For these reasons, this variant has been classified as Pathogenic. Advanced modeling of protein sequence and biophysical properties (such as structural, functional, and spatial information, amino acid conservation, physicochemical variation, residue mobility, and thermodynamic stability) has been performed at Invitae for this missense variant, however the output from this modeling did not meet the statistical confidence thresholds required to predict the impact of this variant on SLC12A3 protein function. ClinVar contains an entry for this variant (Variation ID: 8595). This missense change has been observed in individual(s) with Gitelman syndrome (PMID: 8954067, 12008755, 17044667, 17329572, 30596175). In at least one individual the data is consistent with being in trans (on the opposite chromosome) from a pathogenic variant. It has also been observed to segregate with disease in related individuals. The frequency data for this variant in the population databases is considered unreliable, as metrics indicate poor data quality at this position in the gnomAD database. This sequence change replaces leucine, which is neutral and non-polar, with proline, which is neutral and non-polar, at codon 623 of the SLC12A3 protein (p.Leu623Pro).

Women's Health and Genetics/Laboratory Corporation of America, LabCorp
Classification: Pathogenic for Familial hypokalemia-hypomagnesemia. Last evaluated: 2023-08-18. Review status: criteria provided, single submitter. Criteria: LabCorp Variant Classification Summary - May 2015. Collection method: clinical testing. Allele origin: germline.
Comment: Variant summary: SLC12A3 c.1868T>C (p.Leu623Pro) results in a non-conservative amino acid change located in the Amino acid permease/ SLC12A domain (IPR004841) of the encoded protein sequence. Three of five in-silico tools predict a benign effect of the variant on protein function. The variant allele was found at a frequency of 6.1e-06 in 163202 control chromosomes (gnomAD). c.1868T>C has been reported in the literature in multiple individuals affected with Familial Hypokalemia-Hypomagnesemia with evidence of cosegregation with disease (Takeuchi_1996, Riveira-Munoz_2007, Mori_2021), and some patients were reported as compound heterozygous with other (likely) pathogenic or truncating variants. These data indicate that the variant is very likely to be associated with disease. The following publications have been ascertained in the context of this evaluation (PMID: 8954067, 17329572, 33348466). One submitter has cited a clinical-significance assessment for this variant to ClinVar after 2014 and has classified the variant as pathogenic. Based on the evidence outlined above, the variant was classified as pathogenic.

Revvity Omics, Revvity
Classification: Pathogenic for Familial hypokalemia-hypomagnesemia. Last evaluated: 2023-01-26. Review status: criteria provided, single submitter. Criteria: ACMG Guidelines, 2015. Collection method: clinical testing. Allele origin: germline.

Juno Genomics, Hangzhou Juno Genomics, Inc
Classification: Pathogenic for Familial hypokalemia-hypomagnesemia. Review status: criteria provided, single submitter. Criteria: ACMG Guidelines, 2015. Collection method: clinical testing. Allele origin: germline. Affected: yes.
Comment: Absent from controls (or at extremely low frequency if recessive) in Genome Aggregation Database, Exome Sequencing Project, 1000 Genomes Project, or Exome Aggregation Consortium.;Multiple lines of computational evidence suggest no impact on gene or gene product (conservation, evolutionary, splicing impact, etc).;For recessive disorders, detected in trans with a pathogenic variant.;Co-segregation with disease in multiple affected family members in a gene definitively known to cause the disease.;Patient's phenotype or family history is highly specific for a disease with a single genetic etiology.

OMIM
Classification: Pathogenic for GITELMAN SYNDROME. Last evaluated: 1996-12-01. Review status: no assertion criteria provided. Collection method: literature only. Allele origin: germline. Not counted in ClinVar's aggregate classification.

Literature cited by the submitters: PubMed 30596175 (cited by 3 submitters); PubMed 8954067 (cited by 4 submitters); PubMed 12008755 (cited by Labcorp Genetics (formerly Invitae), Labcorp); PubMed 17044667 (cited by Labcorp Genetics (formerly Invitae), Labcorp); PubMed 17329572 (cited by Labcorp Genetics (formerly Invitae), Labcorp and Women's Health and Genetics/Laboratory Corporation of America, LabCorp); PubMed 33348466 (cited by Women's Health and Genetics/Laboratory Corporation of America, LabCorp).

NM_001126108.2(SLC12A3):c.1868T>C (p.Leu623Pro)

Gene: SLC12A3 (solute carrier family 12 member 3; plus strand). Cytogenetic location: 16q13.
Variant type: single nucleotide variant.
Coding change: c.1868T>C on transcript NM_001126108.2 (MANE Select); coding-DNA position 1868, T replaced by C.
Protein change: p.Leu623Pro; replaces leucine 623 with proline.
Molecular consequence: missense variant.
Genome position (GRCh38, 1-based): chr16:56,885,307, T>C. VCF-style: chr16-56885307-T-C. GRCh37 (hg19) VCF-style: chr16-56919219-T-C.
Other names: c.1868T>C, p.Leu623Pro (NM_000339.3); c.1865T>C, p.Leu622Pro (NM_001126107.2); short protein forms L623P, L622P.
Identifiers: ClinVar variation 8595 (VCV000008595.19), dbSNP rs121909385, ClinGen allele CA119780.
Genomic context (GRCh38, chr16:56,885,307, plus strand): 5'-GCTCCCTTGCTCTCCCAGAGGTAAATTGGGGCTCCTCGGTACAGGCTGGCTCCTACAACC[T>C]GGCCCTCAGCTACTCGGTGGGCCTCAATGAGGTGGAAGACCACATCAAGAACTACCGGTG-3'
Protein context (NP_001119580.2, residues 613-633): GSSVQAGSYN[Leu623Pro]ALSYSVGLNE